The following is an entry in ClinVar:

NM_080680.3(COL11A2):c.3367-3C>T

Gene: COL11A2 (collagen type XI alpha 2 chain; minus strand). Cytogenetic location: 6p21.32.
Variant type: single nucleotide variant.
Coding change: c.3367-3C>T on transcript NM_080680.3 (MANE Select); 3 bases into the intron before coding-DNA position 3367, C replaced by T.
Molecular consequence: intron variant.
Genome position (GRCh38, 1-based): chr6:33,170,920, G>A on the plus strand (C>T on the coding strand, the complement: COL11A2 is on the minus strand). VCF-style: chr6-33170920-G-A. GRCh37 (hg19) VCF-style: chr6-33138697-G-A.
Other names: c.2341-3C>T (NM_001424111.1, NM_001424110.1); c.3046-3C>T (NM_080679.3); c.3109-3C>T (NM_080681.3); c.3187-3C>T (NM_001424108.1); c.2521-3C>T (NM_001424109.1); c.1321-3C>T (NM_001424112.1).
Identifiers: ClinVar variation 4881228 (VCV004881228.2).
Genomic context (GRCh38, chr6:33,170,920, plus strand): 5'-CACCTTTGGCTCCAAAGTGTCCCTGGGGTCCCCGAGCTCCGGGCTCCCCATCTGCTCCCT[G>A]CAGGGTTGAGGGAAAGCAGAGACAAGGACACAGGGATGGGTCATGGGTCAGGTGTTCTCT-3'

ClinVar aggregate classification (germline): Uncertain significance (1 of 4 stars; one submission).

Submission:

Dasa
Classification: Uncertain significance. Last evaluated: 2025-11-09. Review status: criteria provided, single submitter. Criteria: DASA Assertion Criteria. Collection method: clinical testing. Allele origin: germline.
Comment: NM_080680.3(COL11A2):c.3367-3C>T is a splice-region variant. This variant is absent from population databases. Computational prediction algorithms are consistent with a benign effect. The currently available literature and clinical evidence are not sufficient to establish a definitive association between this variant and the reported condition. Therefore, this variant is classified as a variant of uncertain significance.